The following is an entry in ClinVar:

ClinVar aggregate classification (germline): Uncertain significance. Review status: criteria provided, multiple submitters, no conflicts (2 of 4 stars). 2 submissions from 2 submitters: Uncertain significance (2). Last evaluated 2023-05-01.

Allele frequency attached by ClinVar (database versions not stated): ExAC 0.00005; gnomAD exomes 0.00002; TOPMed below 0.00001; gnomAD 0.00001.
gnomAD v4.1: 28 of 1,603,680 alleles (0.0017%); highest among the groups gnomAD compares: South Asian, 0.0077%; no homozygotes.

Submissions (2):

CeGaT Center for Human Genetics Tuebingen
Classification: Uncertain significance. Last evaluated: 2023-05-01. Review status: criteria provided, single submitter. Criteria: CeGaT Center For Human Genetics Tuebingen Variant Classification Criteria Version 2. Collection method: clinical testing. Allele origin: germline. Affected: yes. Observed: 1 variant allele.
Comment: PCDH15: PM2, BP4

Labcorp Genetics (formerly Invitae), Labcorp
Classification: Uncertain significance. Last evaluated: 2021-09-01. Review status: criteria provided, single submitter. Criteria: Invitae Variant Classification Sherloc (09022015). Collection method: clinical testing. Allele origin: germline.
Comment: This sequence change replaces threonine with methionine at codon 1802 of the PCDH15 protein (p.Thr1802Met). The threonine residue is weakly conserved and there is a moderate physicochemical difference between threonine and methionine. The frequency data for this variant in the population databases is considered unreliable, as metrics indicate poor data quality at this position in the ExAC database. This variant has not been reported in the literature in individuals affected with PCDH15-related conditions. Experimental studies and prediction algorithms are not available or were not evaluated, and the functional significance of this variant is currently unknown. In summary, the available evidence is currently insufficient to determine the role of this variant in disease. Therefore, it has been classified as a Variant of Uncertain Significance.

NM_033056.4(PCDH15):c.5405C>T (p.Thr1802Met)

Gene: PCDH15 (protocadherin related 15; minus strand). Cytogenetic location: 10q21.1.
Variant type: single nucleotide variant.
Coding change: c.5405C>T on transcript NM_033056.4 (MANE Plus Clinical); coding-DNA position 5405, C replaced by T.
Protein change: p.Thr1802Met; replaces threonine 1802 with methionine.
Molecular consequence: missense variant. On other transcripts: intron variant (8).
Genome position (GRCh38, 1-based): chr10:53,822,321, G>A on the plus strand (C>T on the coding strand, the complement: PCDH15 is on the minus strand). VCF-style: chr10-53822321-G-A. GRCh37 (hg19) VCF-style: chr10-55582081-G-A.
Other names: c.5426C>T, p.Thr1809Met (NM_001142763.2); c.5411C>T, p.Thr1804Met (NM_001142764.2); c.5198C>T, p.Thr1733Met (NM_001142765.2); c.5396C>T, p.Thr1799Met (NM_001142766.2); c.5285C>T, p.Thr1762Met (NM_001142767.2); c.5345C>T, p.Thr1782Met (NM_001142768.2); c.5336C>T, p.Thr1779Met (NM_001142773.2); c.5339C>T, p.Thr1780Met (NM_001354404.2); and 7 more; short protein forms T1782M, T1809M, T1733M, T1762M, T1779M, T1780M, T1802M, T1804M.
Identifiers: ClinVar variation 2144851 (VCV002144851.28), dbSNP rs748124043, ClinGen allele CA5505048.